The following is an entry in ClinVar:

NM_015971.4(MRPS7):c.139G>T (p.Asp47Tyr)

Gene: MRPS7 (mitochondrial ribosomal protein S7; plus strand). Cytogenetic location: 17q25.1.
Variant type: single nucleotide variant.
Coding change: c.139G>T on transcript NM_015971.4 (MANE Select); coding-DNA position 139, G replaced by T.
Protein change: p.Asp47Tyr; replaces aspartic acid 47 with tyrosine.
Molecular consequence: missense variant.
Genome position (GRCh38, 1-based): chr17:75,262,552, G>T. VCF-style: chr17-75262552-G-T. GRCh37 (hg19) VCF-style: chr17-73258633-G-T.
Other names: short protein forms D47Y.
Identifiers: ClinVar variation 3609885 (VCV003609885.2).

ClinVar aggregate classification (germline): Uncertain significance (1 of 4 stars; one submission).

gnomAD v4.1: 4 of 1,614,030 alleles (0.00025%); highest among the groups gnomAD compares: African/African-American, 0.004%; no homozygotes.

Submission:

Labcorp Genetics (formerly Invitae), Labcorp
Classification: Uncertain significance. Last evaluated: 2024-09-27. Review status: criteria provided, single submitter. Criteria: Invitae Variant Classification Sherloc (09022015). Collection method: clinical testing. Allele origin: germline.
Comment: This sequence change replaces aspartic acid, which is acidic and polar, with tyrosine, which is neutral and polar, at codon 47 of the MRPS7 protein (p.Asp47Tyr). The frequency data for this variant in the population databases is considered unreliable, as metrics indicate poor data quality at this position in the gnomAD database. This variant has not been reported in the literature in individuals affected with MRPS7-related conditions. Invitae Evidence Modeling of protein sequence and biophysical properties (such as structural, functional, and spatial information, amino acid conservation, physicochemical variation, residue mobility, and thermodynamic stability) indicates that this missense variant is not expected to disrupt MRPS7 protein function with a negative predictive value of 80%. In summary, the available evidence is currently insufficient to determine the role of this variant in disease. Therefore, it has been classified as a Variant of Uncertain Significance.